The following continues an entry in ClinVar:

NM_000406.3(GNRHR):c.317A>G (p.Gln106Arg)

Gene: GNRHR. ClinVar aggregate classification (germline): Pathogenic/Likely pathogenic. Pathogenic (25); Likely pathogenic (3).

Submissions 12 to 24 of 34:

Laboratory for Molecular Medicine, Mass General Brigham Personalized Medicine
Classification: Pathogenic for Isolated congenital hypogonadotropic hypogonadism. Last evaluated: 2024-03-27. Review status: criteria provided, single submitter. Criteria: ACMG Guidelines, 2015. Collection method: clinical testing. Allele origin: germline. Inheritance: Autosomal recessive inheritance.
Comment: The p.Gln106Arg variant in GNRHR is an established pathogenic variant for hypogonadotropic hypogonadism (HH) and is the most common disease-causing HH variant in GNRHR (Kim 2010 PMID: 20389088). This variant has been identified in the homozygous and compound heterozygous state in multiple individuals with HH and segregated with disease in multiple affected relatives from multiple families. In addition, there are few reports of heterozygote carriers of the p.Gln106Arg variant presenting with isolated hypogonadotropic hypogonadism (Chevrier 2011 PMID: 21645587, Gianetti 2012 PMID: 22745237); however, it is unclear at this time if carrier status for this variant is associated with an increased risk for development of HH. This variant has been reported by other clinical laboratories in ClinVar (Variation ID: 16023) and has also been identified in 0.6% (185/29604) of Ashkenazi Jewish chromosomes including 10 total homozygotes by gnomAD (v.4.0.0). Although this variant has been seen in the general population, its frequency is low enough to be consistent with a recessive carrier frequency. In vitro functional assays indicate this variant leads to partial loss of GNRHR function (de Roux 1997 PMID: 9371856, Leanos-Miranda 2002 PMID: 12364481), correlating with the relatively milder phenotype observed in individuals who are homozygous for this variant. In summary, this variant meets criteria to be classified as pathogenic for autosomal recessive hypogonadotropic hypogonadism. ACMG/AMP Criteria applied: PM3_Very Strong, PP1_Strong, PM3.

Ambry Genetics
Classification: Pathogenic for Inborn genetic diseases. Last evaluated: 2024-03-14. Review status: criteria provided, single submitter. Criteria: Ambry Variant Classification Scheme 2023. Collection method: clinical testing. Allele origin: germline.
Comment: The c.317A>G (p.Q106R) alteration is located in exon 1 (coding exon 1) of the GNRHR gene. This alteration results from an A to G substitution at nucleotide position 317, causing the glutamine (Q) at amino acid position 106 to be replaced by an arginine (R). Based on data from gnomAD, the G allele has an overall frequency of 0.275% (777/282638) total alleles studied. The highest observed frequency was 0.598% (62/10362) of Ashkenazi Jewish alleles. This variant has been identified in the homozygous state and in trans with another GNRHR variant in numerous individuals with features consistent with hypogonadotropic hypogonadism and has been reported to segregate with disease in several families (Dwyer, 2022; Saengkaew, 2021; Caburet, 2017; Marcos, 2014; Beneduzzi, 2014; Sykiotis, 2010; Karges, 2003; Dewailly, 2002; Pitteloud, 2001; de Roux, 1997). This amino acid position is highly conserved in available vertebrate species. In multiple assays testing GNRHR function, this variant has been shown to significantly reduce GnRH binding and decrease PLC activity as measured by decrease in intracellular IP production in response to GnRH (de Roux, 1997; Leanos-Miranda, 2005; Bedecarrats, 2003; Leanos-Miranda, 2002). This alteration is predicted to be deleterious by in silico analysis. Based on the available evidence, this alteration is classified as pathogenic.

Department of Pathology and Laboratory Medicine, Sinai Health System
Classification: Pathogenic for Hypogonadotropic hypogonadism 7 with or without anosmia. Last evaluated: 2023-10-24. Review status: criteria provided, single submitter. Criteria: ACMG Guidelines, 2015. Collection method: research. Allele origin: germline.

Revvity Omics, Revvity
Classification: Pathogenic for Hypogonadotropic hypogonadism 7 with or without anosmia. Last evaluated: 2023-06-02. Review status: criteria provided, single submitter. Criteria: ACMG Guidelines, 2015. Collection method: clinical testing. Allele origin: germline.

Women's Health and Genetics/Laboratory Corporation of America, LabCorp
Classification: Pathogenic for Hypogonadotropic hypogonadism 7 with or without anosmia. Last evaluated: 2023-05-24. Review status: criteria provided, single submitter. Criteria: LabCorp Variant Classification Summary - May 2015. Collection method: clinical testing. Allele origin: germline.
Comment: Variant summary: GNRHR c.317A>G (p.Gln106Arg) results in a conservative amino acid change located in the GPCR, rhodopsin-like, 7TM domain (IPR017452) of the encoded protein sequence. Three of five in-silico tools predict a benign effect of the variant on protein function. The variant allele was found at a frequency of 0.0028 in 251236 control chromosomes in the gnomAD database, including 1 homozygotes. c.317A>G has been reported in the literature in multiple bi-allelic and heterozygous individuals affected Kallmann syndrome and hypogonadotropic hypogonadism (Marcos_2014). This variant also segregated in a family affected with idiopathic hypogonadotropic hypogonadism (de Roux_1997). Multiple publications have reported experimental evidence that this variant reduced ligand binding (examples: de Roux_1997 and Leanos-Miranda_2002). The following publications have been ascertained in the context of this evaluation (PMID: 12364481, 9371856, 25077900). Fourteen clinical diagnostic laboratories have submitted clinical-significance assessments for this variant to ClinVar after 2014 and all classified the variant as pathogenic/likely pathogenic. Based on the evidence outlined above, the variant was classified as pathogenic.

Clinical Genetics Laboratory, Skane University Hospital Lund
Classification: Pathogenic. Last evaluated: 2023-04-04. Review status: criteria provided, single submitter. Criteria: ACMG Guidelines, 2015. Collection method: clinical testing. Allele origin: germline. Affected: yes.

Athena Diagnostics
Classification: Pathogenic. Last evaluated: 2022-11-15. Review status: criteria provided, single submitter. Criteria: Athena Diagnostics Criteria. Collection method: clinical testing. Allele origin: unknown.
Comment: The frequency of this variant in the general population is consistent with pathogenicity. This variant segregates with disease in multiple families. Assessment of experimental evidence suggests this variant results in abnormal protein function. (PMID: 9371856, 12364481, 12574221) In multiple individuals, this variant has been seen with a single recessive pathogenic variant in the same gene, suggesting this variant may also be pathogenic.

Institute of Human Genetics Munich, TUM University Hospital
Classification: Pathogenic for Hypogonadotropic hypogonadism 7 with or without anosmia. Last evaluated: 2022-08-22. Review status: criteria provided, single submitter. Criteria: Classification criteria August 2017. Collection method: clinical testing. Allele origin: inherited. Inheritance: Autosomal recessive inheritance. Affected: yes. Observed: 1 variant allele.

GeneDx
Classification: Pathogenic. Last evaluated: 2022-04-11. Review status: criteria provided, single submitter. Criteria: GeneDx Variant Classification Process June 2021. Collection method: clinical testing. Allele origin: germline. Affected: yes.
Comment: Published functional studies demonstrate a damaging effect by reducing the binding of GnRH-A and decreasing the activation of phospholipase C (de Roux et al., 1997); In silico analysis supports that this missense variant has a deleterious effect on protein structure/function; This variant is associated with the following publications: (PMID: 12364481, 25077900, 15728205, 22745237, 12574221, 26572316, 29431110, 28754744, 34426522, 31589614, 12679486, 23155690, 19820032, 10999776, 20696889, 23643382, 17235395, 9371856, 20389088, 10690855, 11397842, 10022417, 28348023, 26792935, 12057744, 29419413, 11397871, 28611058, 29182666, 30609409, 31980526, 30476149, 32870266, 19449676, 31200363, 34055685, 31130284, 34198905, 26207952)

Genetic Services Laboratory, University of Chicago
Classification: Pathogenic. Last evaluated: 2022-01-14. Review status: criteria provided, single submitter. Criteria: ACMG Guidelines, 2015. Collection method: clinical testing. Allele origin: germline. Affected: yes.
Comment: The p.Gln106Arg change affects a highly conserved amino acid residue located in a domain of the GNRHR protein that is known to be functional. The p.Gln106Arg substitution appears to be deleterious using several in-silico pathogenicity prediction tools (SIFT, PolyPhen2, Align GVGD, REVEL). This sequence change has been described in the gnomAD database with a population frequency of 0.40% in the non-Finnish European subpopulation (dbSNP rs104893836) and it is considered one of the most commonly observed pathogenic sequence change in this gene (PMID: 20389088). This sequence change has been reported to in individuals and families with hypogonadotropic hypogonadism (HH) (PMID: 9371856, 12057744, 11397871, 10999776) and has also been reported in several individuals Kallman syndrome (PMID: 20696889, 23155690, 23643382, 26207952, 22745237). In-vitro studies showed the binding of GnRH was reduced in cells transfected with the p.Gln106Arg sequence change (PMID: 9371856).

Seattle Children's Hospital Molecular Genetics Laboratory, Seattle Children's Hospital
Classification: Pathogenic. Last evaluated: 2021-11-15. Review status: criteria provided, single submitter. Criteria: ACMG Guidelines, 2015. Collection method: clinical testing. Allele origin: germline. Affected: yes.
Comment: The GNRHR p.Gln106Arg variant is known to cause partial loss-of-function of the GnRH receptor is the most common disease causing variant in the GNRHR gene and has been observed primarily in a homozygous state in individuals with IGD without anosmia (PMID: 22745237, PMID: 9371856 and others). While variants in GNRHR are typically homozygous or compound heterozygous, the p.Gln106Arg variant has been observed as a heterozygous change in individuals with Kallmann syndrome, normosmic idiopathic hypogonadotropic hypogonadism (nIHH), and adult-onset idiopathic hypogonadotropic hypogonadism (AOIHH) (PMID: 22745237, PMID: 20696). Individuals who are heterozygous for the p.Gln106Arg variant may also be asymptomatic carriers with normal puberty. This variant is present in the gnomAD database (allele frequency = 0.00275, gnomAD v2.1.1), but the prevalence of heterozygous GNRHR variants has been shown to be significantly higher among affected individuals compared to controls (PMID: 22745237).

Genetics and Genomic Medicine Centre, NeuroGen Healthcare, NeuroGen Healthcare
Classification: Pathogenic for Hypogonadotropic hypogonadism 7 with or without anosmia. Last evaluated: 2021-03-24. Review status: criteria provided, single submitter. Criteria: Submitter's publication. Collection method: clinical testing. Allele origin: unknown. Affected: no.

Institute of Human Genetics, University of Leipzig Medical Center
Classification: Pathogenic for Hypogonadotropic hypogonadism 7 with or without anosmia. Last evaluated: 2019-04-02. Review status: criteria provided, single submitter. Criteria: ACMG Guidelines, 2015. Collection method: clinical testing. Allele origin: germline. Affected: yes. Observed: 1 variant allele.